The following is an entry in ClinVar:

ClinVar aggregate classification (germline): Uncertain significance (1 of 4 stars; one submission).

Conditions:
Beckwith-Wiedemann syndrome (BWS). Also called: Exomphalos macroglossia gigantism syndrome; EMG SYNDROME. Identifiers: Orphanet 116, MedGen C0004903, MONDO:0007534, OMIM 130650.

Submission:

Labcorp Genetics (formerly Invitae), Labcorp
Classification: Uncertain significance for Beckwith-Wiedemann syndrome. Last evaluated: 2022-08-22. Review status: criteria provided, single submitter. Criteria: Invitae Variant Classification Sherloc (09022015). Collection method: clinical testing. Allele origin: germline.
Comment: This variant is not present in population databases (gnomAD no frequency). In summary, the available evidence is currently insufficient to determine the role of this variant in disease. Therefore, it has been classified as a Variant of Uncertain Significance. Algorithms developed to predict the effect of missense changes on protein structure and function output the following: SIFT: "Tolerated"; PolyPhen-2: "Not Available"; Align-GVGD: "Class C0". The proline amino acid residue is found in multiple mammalian species, which suggests that this missense change does not adversely affect protein function. This variant has not been reported in the literature in individuals affected with CDKN1C-related conditions. This sequence change replaces glutamine, which is neutral and polar, with proline, which is neutral and non-polar, at codon 221 of the CDKN1C protein (p.Gln221Pro).

NM_001122630.2(CDKN1C):c.629A>C (p.Gln210Pro)

Gene: CDKN1C (cyclin dependent kinase inhibitor 1C; minus strand). Cytogenetic location: 11p15.4.
Variant type: single nucleotide variant.
Coding change: c.629A>C on transcript NM_001122630.2 (MANE Select); coding-DNA position 629, A replaced by C.
Protein change: p.Gln210Pro; replaces glutamine 210 with proline.
Molecular consequence: missense variant. On other transcripts: intron variant (1).
Genome position (GRCh38, 1-based): chr11:2,884,828, T>G on the plus strand (A>C on the coding strand, the complement: CDKN1C is on the minus strand). VCF-style: chr11-2884828-T-G. GRCh37 (hg19) VCF-style: chr11-2906058-T-G.
Other names: c.629A>C, p.Gln210Pro (NM_001122631.2); c.662A>C, p.Gln221Pro (NM_001362474.2, NM_000076.2); c.255+374A>C (NM_001362475.2); short protein forms Q210P, Q221P.
Identifiers: ClinVar variation 2120423 (VCV002120423.4), dbSNP rs1590149252, ClinGen allele CA379146028.
Genomic context (GRCh38, chr11:2,884,828, plus strand): 5'-TGGTCAGCGAGAGGCTCCTGGCCGCGCTGCCCCTGGTTCGCGCCCTGCTCGGCGCTCTCT[T>G]GAGGCGCCGCGTCCGGGGCCGGGGCCGGGGCGGGGGCCGGGGCCGGGGCCGGGGCCGGGG-3'
Protein context (NP_001116102.1, residues 200-220): APAPAPDAAP[Gln210Pro]ESAEQGANQG